The following is an entry in ClinVar:

NM_006031.6(PCNT):c.3500del (p.Gly1167fs)

Gene: PCNT (pericentrin; plus strand). Cytogenetic location: 21q22.3.
Variant type: Deletion.
Coding change: c.3500del on transcript NM_006031.6 (MANE Select); coding-DNA position 3500, one base deleted (G; older notation c.3500delG).
Protein change: p.Gly1167fs; shifts the reading frame from glycine 1167.
Molecular consequence: frameshift variant.
Genome position (GRCh38, 1-based): chr21:46,388,777, G deleted; the last of 3 consecutive G bases (chr21:46,388,775-46,388,777); deleting any one gives the same sequence. VCF-style (leftmost placement, unchanged base first): chr21-46388774-TG-T. GRCh37 (hg19) VCF-style: chr21-47808689-TG-T.
Other names: c.3146del, p.Gly1049fs (NM_001315529.2); short protein forms G1167fs, G1049fs.
Identifiers: ClinVar variation 2862013 (VCV002862013.3), dbSNP rs2518522174, ClinGen allele CA2739267766.

ClinVar aggregate classification (germline): Pathogenic (1 of 4 stars; one submission).

Submission:

Labcorp Genetics (formerly Invitae), Labcorp
Classification: Pathogenic. Last evaluated: 2023-05-05. Review status: criteria provided, single submitter. Criteria: Invitae Variant Classification Sherloc (09022015). Collection method: clinical testing. Allele origin: germline.
Comment: For these reasons, this variant has been classified as Pathogenic. This variant has not been reported in the literature in individuals affected with PCNT-related conditions. This variant is not present in population databases (gnomAD no frequency). This sequence change creates a premature translational stop signal (p.Gly1167Valfs*7) in the PCNT gene. It is expected to result in an absent or disrupted protein product. Loss-of-function variants in PCNT are known to be pathogenic (PMID: 18174396, 22821869).

Literature cited by the submitters: PubMed 18174396; PubMed 22821869.